The following is an entry in ClinVar:

ClinVar aggregate classification (germline): Uncertain significance. Review status: criteria provided, multiple submitters, no conflicts (2 of 4 stars). 4 submissions from 4 submitters: Uncertain significance (4). Last evaluated 2025-04-09.

Conditions:
Lymphangiomyomatosis (LAM). Also called: Lymphangioleiomyomatosis; Lymphangioleiomyomatosis, somatic. Identifiers: Orphanet 538, MedGen C0751674, MONDO:0011705, OMIM 606690.
Tuberous sclerosis 2 (TSC2). Identifiers: Orphanet 805, MedGen C1860707, MONDO:0013199, OMIM 613254.
Isolated focal cortical dysplasia type II (FCORD2). Also called: CORTICAL DYSPLASIA OF TAYLOR; Focal cortical dysplasia type II. Identifiers: Orphanet 268994, MedGen C1846385, MONDO:0011818, OMIM 607341, HP:0032051.
Hereditary cancer-predisposing syndrome. Also called: Hereditary neoplastic syndrome; Neoplastic Syndromes, Hereditary; Tumor predisposition; Hereditary Cancer Syndrome. Identifiers: Orphanet 140162, MedGen C0027672, MeSH D009386, MONDO:0015356.
Tuberous sclerosis syndrome (TSC). Also called: Tuberous Sclerosis Complex; Tuberous sclerosis. Identifiers: Orphanet 805, MedGen C0041341, MONDO:0001734.

Allele frequency attached by ClinVar (database versions not stated): gnomAD exomes below 0.00001; gnomAD 0.00001.
gnomAD v4.1: 4 of 1,611,368 alleles (0.00025%); highest among the groups gnomAD compares: African/African-American, 0.0054%; no homozygotes.

Submissions (4):

Ambry Genetics
Classification: Uncertain significance for Hereditary cancer-predisposing syndrome. Last evaluated: 2025-04-09. Review status: criteria provided, single submitter. Criteria: Ambry Variant Classification Scheme 2023. Collection method: clinical testing. Allele origin: germline.
Comment: The p.C1680G variant (also known as c.5038T>G), located in coding exon 38 of the TSC2 gene, results from a T to G substitution at nucleotide position 5038. The cysteine at codon 1680 is replaced by glycine, an amino acid with highly dissimilar properties. This variant has been detected in multiple individuals with no reported features of tuberous sclerosis complex (Ambry internal data). This amino acid position is well conserved in available vertebrate species. In addition, this alteration is predicted to be deleterious by in silico analysis. Based on the available evidence, the clinical significance of this alteration remains unclear.

Labcorp Genetics (formerly Invitae), Labcorp
Classification: Uncertain significance for Tuberous sclerosis 2. Last evaluated: 2024-08-14. Review status: criteria provided, single submitter. Criteria: Invitae Variant Classification Sherloc (09022015). Collection method: clinical testing. Allele origin: germline.
Comment: This sequence change replaces cysteine, which is neutral and slightly polar, with glycine, which is neutral and non-polar, at codon 1680 of the TSC2 protein (p.Cys1680Gly). This variant is not present in population databases (gnomAD no frequency). This variant has not been reported in the literature in individuals affected with TSC2-related conditions. ClinVar contains an entry for this variant (Variation ID: 480827). Invitae Evidence Modeling of protein sequence and biophysical properties (such as structural, functional, and spatial information, amino acid conservation, physicochemical variation, residue mobility, and thermodynamic stability) indicates that this missense variant is not expected to disrupt TSC2 protein function with a negative predictive value of 95%. In summary, the available evidence is currently insufficient to determine the role of this variant in disease. Therefore, it has been classified as a Variant of Uncertain Significance.

All of Us Research Program, National Institutes of Health
Classification: Uncertain significance for Tuberous sclerosis syndrome. Last evaluated: 2024-07-10. Review status: criteria provided, single submitter. Criteria: ACMG Guidelines, 2015. Collection method: clinical testing. Allele origin: germline. Inheritance: Autosomal dominant inheritance. Observed: 1 variant allele, 1 heterozygote.
Comment: This missense variant replaces cysteine with glycine at codon 1680 of the TSC2 protein. Computational prediction suggests that this variant may have deleterious impact on protein structure and function (internally defined REVEL score threshold >= 0.7, PMID: 27666373). To our knowledge, functional studies have not been reported for this variant. This variant has not been reported in individuals affected with TSC2-related disorders in the literature. This variant has not been identified in the general population by the Genome Aggregation Database (gnomAD). The available evidence is insufficient to determine the role of this variant in disease conclusively. Therefore, this variant is classified as a Variant of Uncertain Significance.

This study involves interpretation of variants in research participants for the purpose of population health screening. Participant phenotype was not available at the time of variant classification. Additional details can be found in publication PMID: 35346344, PMCID: PMC8962531

Fulgent Genetics
Classification: Uncertain significance for Lymphangiomyomatosis; Isolated focal cortical dysplasia type II; Tuberous sclerosis 2. Last evaluated: 2024-05-11. Review status: criteria provided, single submitter. Criteria: ACMG Guidelines, 2015. Collection method: clinical testing. Allele origin: germline.

NM_000548.5(TSC2):c.5038T>G (p.Cys1680Gly)

Gene: TSC2 (TSC complex subunit 2; plus strand). Cytogenetic location: 16p13.3.
Variant type: single nucleotide variant.
Coding change: c.5038T>G on transcript NM_000548.5 (MANE Select); coding-DNA position 5038, T replaced by G.
Protein change: p.Cys1680Gly; replaces cysteine 1680 with glycine.
Molecular consequence: missense variant.
Genome position (GRCh38, 1-based): chr16:2,087,911, T>G. VCF-style: chr16-2087911-T-G. GRCh37 (hg19) VCF-style: chr16-2137912-T-G.
Other names: c.4837T>G, p.Cys1613Gly (NM_001077183.3); c.4969T>G, p.Cys1657Gly (NM_001114382.3); c.4729T>G, p.Cys1577Gly (NM_001318827.2); c.4693T>G, p.Cys1565Gly (NM_001318829.2); c.4306T>G, p.Cys1436Gly (NM_001318831.2); c.4870T>G, p.Cys1624Gly (NM_001318832.2); c.4840T>G, p.Cys1614Gly (NM_001363528.2); c.4906T>G, p.Cys1636Gly (NM_001370404.1); and 1 more; short protein forms C1680G, C1577G, C1624G, C1636G, C1657G, C1436G, C1565G, C1613G.
Identifiers: ClinVar variation 480827 (VCV000480827.13), dbSNP rs1555439802, ClinGen allele CA394311390.